The following is an entry in ClinVar:

ClinVar aggregate classification (germline): Uncertain significance (1 of 4 stars; one submission).

Allele frequency attached by ClinVar (database versions not stated): gnomAD exomes below 0.00001; ExAC 0.00001.
gnomAD v4.1: 2 of 1,614,110 alleles (0.00012%); highest among the groups gnomAD compares: Admixed American, 0.0017%; no homozygotes.

Submission:

Labcorp Genetics (formerly Invitae), Labcorp
Classification: Uncertain significance. Last evaluated: 2024-10-30. Review status: criteria provided, single submitter. Criteria: Invitae Variant Classification Sherloc (09022015). Collection method: clinical testing. Allele origin: germline.
Comment: This sequence change falls in intron 6 of the AP2M1 gene. It does not directly change the encoded amino acid sequence of the AP2M1 protein. It affects a nucleotide within the consensus splice site. This variant is present in population databases (rs755273651, gnomAD 0.003%). This variant has not been reported in the literature in individuals affected with AP2M1-related conditions. ClinVar contains an entry for this variant (Variation ID: 3005672). Variants that disrupt the consensus splice site are a relatively common cause of aberrant splicing (PMID: 17576681, 9536098). Algorithms developed to predict the effect of sequence changes on RNA splicing suggest that this variant is not likely to affect RNA splicing. In summary, the available evidence is currently insufficient to determine the role of this variant in disease. Therefore, it has been classified as a Variant of Uncertain Significance.

Literature cited by the submitters: PubMed 17576681; PubMed 9536098.

NM_004068.4(AP2M1):c.565+6G>T

Gene: AP2M1 (adaptor related protein complex 2 subunit mu 1; plus strand). Cytogenetic location: 3q27.1.
Variant type: single nucleotide variant.
Coding change: c.565+6G>T on transcript NM_004068.4 (MANE Select); 6 bases into the intron after coding-DNA position 565, G replaced by T.
Molecular consequence: intron variant.
Genome position (GRCh38, 1-based): chr3:184,180,990, G>T. VCF-style: chr3-184180990-G-T. GRCh37 (hg19) VCF-style: chr3-183898778-G-T.
Other names: c.640+6G>T (NM_001311198.2); c.559+6G>T (NM_001025205.2).
Identifiers: ClinVar variation 3005672 (VCV003005672.3), dbSNP rs755273651, ClinGen allele CA2727767.